The following is an entry in ClinVar:

ClinVar aggregate classification (germline): Conflicting classifications of pathogenicity. Review status: criteria provided, conflicting classifications (1 of 4 stars). 2 submissions from 2 submitters: Uncertain significance (1); Likely benign (1). Last evaluated 2025-11-17.

Conditions:
Cardiovascular phenotype. Identifiers: MedGen CN230736.
Duchenne muscular dystrophy (DMD). Also called: MUSCULAR DYSTROPHY, PSEUDOHYPERTROPHIC PROGRESSIVE, DUCHENNE TYPE; Duchenne Muscular Dystrophy (DMD). Identifiers: Orphanet 98896, MedGen C0013264, MONDO:0010679, OMIM 310200.

Allele frequency attached by ClinVar (database versions not stated): gnomAD exomes below 0.00001; TOPMed below 0.00001; gnomAD 0.00001.
gnomAD v4.1: 4 of 1,209,271 alleles (0.00033%); highest among the groups gnomAD compares: Non-Finnish European, 0.00045%; no homozygotes.

Submissions (2):

Labcorp Genetics (formerly Invitae), Labcorp
Classification: Likely benign for Duchenne muscular dystrophy. Last evaluated: 2025-11-17. Review status: criteria provided, single submitter. Criteria: Invitae Variant Classification Sherloc (09022015). Collection method: clinical testing. Allele origin: germline.

Ambry Genetics
Classification: Uncertain significance for Cardiovascular phenotype. Last evaluated: 2020-09-16. Review status: criteria provided, single submitter. Criteria: Ambry Variant Classification Scheme 2023. Collection method: clinical testing. Allele origin: germline.
Comment: The p.M2661V variant (also known as c.7981A>G), located in coding exon 54 of the DMD gene, results from an A to G substitution at nucleotide position 7981. The methionine at codon 2661 is replaced by valine, an amino acid with highly similar properties. Based on data from gnomAD, the G allele has an overall frequency of 0.001% (2/183241) total alleles studied, including one hemizygote. The highest observed frequency was 0.002% (2/81745) of non-Finnish European alleles. This amino acid position is not well conserved in available vertebrate species. In addition, this alteration is predicted to be tolerated by in silico analysis. Since supporting evidence is limited at this time, the clinical significance of this alteration remains unclear.

NM_004006.3(DMD):c.7981A>G (p.Met2661Val)

Gene: DMD (dystrophin; minus strand). Cytogenetic location: Xp21.1.
Variant type: single nucleotide variant.
Coding change: c.7981A>G on transcript NM_004006.3 (MANE Select); coding-DNA position 7981, A replaced by G.
Protein change: p.Met2661Val; replaces methionine 2661 with valine.
Molecular consequence: missense variant.
Genome position (GRCh38, 1-based): chrX:31,658,036, T>C on the plus strand (A>G on the coding strand, the complement: DMD is on the minus strand). VCF-style: chrX-31658036-T-C. GRCh37 (hg19) VCF-style: chrX-31676153-T-C.
Other names: c.7957A>G, p.Met2653Val (NM_000109.4); c.7969A>G, p.Met2657Val (NM_004009.3); c.7612A>G, p.Met2538Val (NM_004010.3); c.3958A>G, p.Met1320Val (NM_004011.4); c.3949A>G, p.Met1317Val (NM_004012.4); c.601A>G, p.Met201Val (NM_004013.3, NM_004020.4, NM_004021.3 and 2 more transcripts); short protein forms M1317V, M1320V, M201V, M2538V, M2653V, M2657V, M2661V.
Identifiers: ClinVar variation 1011101 (VCV001011101.9), dbSNP rs764521635, ClinGen allele CA10378176.